The following is an entry in ClinVar:

NM_001845.6(COL4A1):c.631C>T (p.Pro211Ser)

Gene: COL4A1 (collagen type IV alpha 1 chain; minus strand). Cytogenetic location: 13q34.
Variant type: single nucleotide variant.
Coding change: c.631C>T on transcript NM_001845.6 (MANE Select); coding-DNA position 631, C replaced by T.
Protein change: p.Pro211Ser; replaces proline 211 with serine.
Molecular consequence: missense variant.
Genome position (GRCh38, 1-based): chr13:110,209,412, G>A on the plus strand (C>T on the coding strand, the complement: COL4A1 is on the minus strand). VCF-style: chr13-110209412-G-A. GRCh37 (hg19) VCF-style: chr13-110861759-G-A.
Other names: c.631C>T, p.Pro211Ser (NM_001303110.2); c.631C>T (NM_001845.4); short protein forms P211S.
Identifiers: ClinVar variation 1897285 (VCV001897285.6), dbSNP rs1000115343, ClinGen allele CA256289111.

ClinVar aggregate classification (germline): Uncertain significance. Review status: criteria provided, multiple submitters, no conflicts (2 of 4 stars). 2 submissions from 2 submitters: Uncertain significance (2). Last evaluated 2025-06-19.

Conditions:
Inborn genetic diseases. Identifiers: MedGen C0950123, MeSH D030342.

Allele frequency attached by ClinVar (database versions not stated): gnomAD exomes below 0.00001; gnomAD 0.00002; TOPMed 0.00002.

Submissions (2):

Ambry Genetics
Classification: Uncertain significance for Inborn genetic diseases. Last evaluated: 2025-06-19. Review status: criteria provided, single submitter. Criteria: Ambry Variant Classification Scheme 2023. Collection method: clinical testing. Allele origin: germline.

Labcorp Genetics (formerly Invitae), Labcorp
Classification: Uncertain significance. Last evaluated: 2025-01-28. Review status: criteria provided, single submitter. Criteria: Invitae Variant Classification Sherloc (09022015). Collection method: clinical testing. Allele origin: germline.
Comment: This sequence change replaces proline, which is neutral and non-polar, with serine, which is neutral and polar, at codon 211 of the COL4A1 protein (p.Pro211Ser). The frequency data for this variant in the population databases is considered unreliable, as metrics indicate poor data quality at this position in the gnomAD database. This variant has not been reported in the literature in individuals affected with COL4A1-related conditions. ClinVar contains an entry for this variant (Variation ID: 1897285). Invitae Evidence Modeling of protein sequence and biophysical properties (such as structural, functional, and spatial information, amino acid conservation, physicochemical variation, residue mobility, and thermodynamic stability) indicates that this missense variant is not expected to disrupt COL4A1 protein function with a negative predictive value of 95%. In summary, the available evidence is currently insufficient to determine the role of this variant in disease. Therefore, it has been classified as a Variant of Uncertain Significance.